The following is an entry in ClinVar:

NM_001242896.3(DEPDC5):c.167A>G (p.Lys56Arg)

Gene: DEPDC5 (DEP domain containing 5, GATOR1 subcomplex subunit; plus strand). Cytogenetic location: 22q12.2.
Variant type: single nucleotide variant.
Coding change: c.167A>G on transcript NM_001242896.3 (MANE Select); coding-DNA position 167, A replaced by G.
Protein change: p.Lys56Arg; replaces lysine 56 with arginine.
Molecular consequence: missense variant. On other transcripts: non-coding transcript variant (5).
Genome position (GRCh38, 1-based): chr22:31,760,676, A>G. VCF-style: chr22-31760676-A-G. GRCh37 (hg19) VCF-style: chr22-32156662-A-G.
Other names: c.167A>G, p.Lys56Arg (NM_001007188.4, NM_001136029.4, NM_001242897.2 and 9 more transcripts); short protein forms K56R.
Identifiers: ClinVar variation 644724 (VCV000644724.8), dbSNP rs966689579, ClinGen allele CA323320371.

ClinVar aggregate classification (germline): Uncertain significance (1 of 4 stars; one submission).

Conditions:
Familial focal epilepsy with variable foci (FPEVF). Identifiers: Orphanet 98820, MedGen C1858477, MONDO:0020310.

Allele frequency attached by ClinVar (database versions not stated): gnomAD 0.00001; TOPMed 0.00002; gnomAD exomes 0.00003.
gnomAD v4.1: 46 of 1,613,224 alleles (0.0029%); highest among the groups gnomAD compares: Non-Finnish European, 0.0038%; no homozygotes.

Submission:

Labcorp Genetics (formerly Invitae), Labcorp
Classification: Uncertain significance for Familial focal epilepsy with variable foci. Last evaluated: 2025-09-15. Review status: criteria provided, single submitter. Criteria: Invitae Variant Classification Sherloc (09022015). Collection method: clinical testing. Allele origin: germline.
Comment: This sequence change replaces lysine, which is basic and polar, with arginine, which is basic and polar, at codon 56 of the DEPDC5 protein (p.Lys56Arg). This variant is not present in population databases (gnomAD no frequency). This variant has not been reported in the literature in individuals affected with DEPDC5-related conditions. ClinVar contains an entry for this variant (Variation ID: 644724). Experimental studies and prediction algorithms are not available or were not evaluated, and the functional significance of this variant is currently unknown. In summary, the available evidence is currently insufficient to determine the role of this variant in disease. Therefore, it has been classified as a Variant of Uncertain Significance.